The following is an entry in ClinVar:

ClinVar aggregate classification (germline): Conflicting classifications of pathogenicity. Review status: criteria provided, conflicting classifications (1 of 4 stars). 7 submissions from 7 submitters: Uncertain significance (1); Likely benign (5). 1 of the submissions does not count toward it. Last evaluated 2026-01-26.

Conditions:
ATR-related disorder. Also called: ATR-related condition.
Inborn genetic diseases. Identifiers: MedGen C0950123, MeSH D030342.
Seckel syndrome 1 (SCKL1). Also called: MICROCEPHALIC PRIMORDIAL DWARFISM I. Identifiers: Orphanet 808, MedGen C4551474, MONDO:0008869, OMIM 210600.

Allele frequency attached by ClinVar (database versions not stated): ESP Exome Variant Server 0.00046; gnomAD 0.00056; TOPMed 0.00057; 1000 Genomes Project 0.00080; 1000 Genomes Project 30x 0.00109.
gnomAD v4.1: 379 of 1,613,276 alleles (0.023%); highest among the groups gnomAD compares: African/African-American, 0.17%; no homozygotes.

Submissions (7):

Labcorp Genetics (formerly Invitae), Labcorp
Classification: Likely benign. Last evaluated: 2026-01-26. Review status: criteria provided, single submitter. Criteria: Invitae Variant Classification Sherloc (09022015). Collection method: clinical testing. Allele origin: germline.

Blueprint Genetics
Classification: Likely benign. Last evaluated: 2023-12-04. Review status: criteria provided, single submitter. Criteria: ACMG Guidelines, 2015. Collection method: clinical testing. Allele origin: germline.

Ambry Genetics
Classification: Likely benign for Inborn genetic diseases. Last evaluated: 2022-02-12. Review status: criteria provided, single submitter. Criteria: Ambry Variant Classification Scheme 2023. Collection method: clinical testing. Allele origin: germline.

Genetic Services Laboratory, University of Chicago
Classification: Likely benign. Last evaluated: 2019-05-21. Review status: criteria provided, single submitter. Criteria: ACMG Guidelines, 2015. Collection method: clinical testing. Allele origin: germline. Affected: no.

GeneDx
Classification: Likely benign. Last evaluated: 2019-03-25. Review status: criteria provided, single submitter. Criteria: GeneDx Variant Classification Process June 2021. Collection method: clinical testing. Allele origin: germline. Affected: yes.
Comment: See Variant Classification Assertion Criteria.

Illumina Laboratory Services, Illumina
Classification: Uncertain significance for Seckel syndrome 1. Last evaluated: 2018-01-13. Review status: criteria provided, single submitter. Criteria: ICSL Variant Classification Criteria 13 December 2019. Collection method: clinical testing. Allele origin: germline.

PreventionGenetics, part of Exact Sciences
Classification: Likely benign for ATR-related condition. Last evaluated: 2019-12-04. Review status: no assertion criteria provided. Collection method: clinical testing. Allele origin: germline. Not counted in ClinVar's aggregate classification.
Comment: This variant is classified as likely benign based on ACMG/AMP sequence variant interpretation guidelines (Richards et al. 2015 PMID: 25741868, with internal and published modifications).

NM_001184.4(ATR):c.4677C>T (p.Asp1559=)

Gene: ATR (ATR checkpoint kinase; minus strand). Cytogenetic location: 3q23.
Variant type: single nucleotide variant.
Coding change: c.4677C>T on transcript NM_001184.4 (MANE Select); coding-DNA position 4677, C replaced by T.
Protein change: p.Asp1559=; no amino-acid change (aspartic acid 1559 retained).
Molecular consequence: synonymous variant.
Genome position (GRCh38, 1-based): chr3:142,512,435, G>A on the plus strand (C>T on the coding strand, the complement: ATR is on the minus strand). VCF-style: chr3-142512435-G-A. GRCh37 (hg19) VCF-style: chr3-142231277-G-A.
Other names: c.4485C>T, p.Asp1495= (NM_001354579.2).
Identifiers: ClinVar variation 210489 (VCV000210489.26), dbSNP rs112726878, ClinGen allele CA209328.